The following is an entry in ClinVar:

ClinVar aggregate classification (germline): Uncertain significance (1 of 4 stars; one submission).

Submission:

Labcorp Genetics (formerly Invitae), Labcorp
Classification: Uncertain significance. Last evaluated: 2025-06-29. Review status: criteria provided, single submitter. Criteria: Invitae Variant Classification Sherloc (09022015). Collection method: clinical testing. Allele origin: germline.
Comment: This sequence change replaces alanine, which is neutral and non-polar, with valine, which is neutral and non-polar, at codon 264 of the KLF10 protein (p.Ala264Val). This variant is not present in population databases (gnomAD no frequency). This variant has not been reported in the literature in individuals affected with KLF10-related conditions. An algorithm developed to predict the effect of missense changes on protein structure and function (PolyPhen-2) suggests that this variant is likely to be tolerated. In summary, the available evidence is currently insufficient to determine the role of this variant in disease. Therefore, it has been classified as a Variant of Uncertain Significance.

NM_005655.4(KLF10):c.791C>T (p.Ala264Val)

Gene: KLF10 (KLF transcription factor 10; minus strand). Cytogenetic location: 8q22.3.
Variant type: single nucleotide variant.
Coding change: c.791C>T on transcript NM_005655.4 (MANE Select); coding-DNA position 791, C replaced by T.
Protein change: p.Ala264Val; replaces alanine 264 with valine.
Molecular consequence: missense variant.
Genome position (GRCh38, 1-based): chr8:102,651,541, G>A on the plus strand (C>T on the coding strand, the complement: KLF10 is on the minus strand). VCF-style: chr8-102651541-G-A. GRCh37 (hg19) VCF-style: chr8-103663769-G-A.
Other names: c.758C>T, p.Ala253Val (NM_001032282.4); short protein forms A253V, A264V.
Identifiers: ClinVar variation 4763729 (VCV004763729.1).